The following is an entry in ClinVar:

NM_004380.3(CREBBP):c.7177A>G (p.Ser2393Gly)

Gene: CREBBP (CREB binding protein; minus strand). Cytogenetic location: 16p13.3.
Variant type: single nucleotide variant.
Coding change: c.7177A>G on transcript NM_004380.3 (MANE Select); coding-DNA position 7177, A replaced by G.
Protein change: p.Ser2393Gly; replaces serine 2393 with glycine.
Molecular consequence: missense variant.
Genome position (GRCh38, 1-based): chr16:3,727,870, T>C on the plus strand (A>G on the coding strand, the complement: CREBBP is on the minus strand). VCF-style: chr16-3727870-T-C. GRCh37 (hg19) VCF-style: chr16-3777871-T-C.
Other names: c.7063A>G, p.Ser2355Gly (NM_001079846.1); short protein forms S2393G, S2355G.
Identifiers: ClinVar variation 1810599 (VCV001810599.1), dbSNP rs936528183, ClinGen allele CA276971051.

ClinVar aggregate classification (germline): Uncertain significance (1 of 4 stars; one submission).

Allele frequency attached by ClinVar (database versions not stated): TOPMed 0.00001.

Submission:

GeneDx
Classification: Uncertain significance. Last evaluated: 2022-07-05. Review status: criteria provided, single submitter. Criteria: GeneDx Variant Classification Process June 2021. Collection method: clinical testing. Allele origin: germline. Affected: yes.
Comment: In silico analysis supports that this missense variant does not alter protein structure/function; Has not been previously published as pathogenic or benign to our knowledge